The following is an entry in ClinVar:

ClinVar aggregate classification (germline): Likely benign. Review status: criteria provided, multiple submitters, no conflicts (2 of 4 stars). 3 submissions from 3 submitters: Likely benign (3). Last evaluated 2025-05-14.

Conditions:
Tuberous sclerosis 2 (TSC2). Identifiers: Orphanet 805, MedGen C1860707, MONDO:0013199, OMIM 613254.

gnomAD v4.1: 27 of 1,613,754 alleles (0.0017%); highest among the groups gnomAD compares: Non-Finnish European, 0.000085%; no homozygotes.

Submissions (3):

Myriad Genetics, Inc.
Classification: Likely benign for Tuberous sclerosis 2. Last evaluated: 2025-05-14. Review status: criteria provided, single submitter. Criteria: Myriad Autosomal Dominant, Autosomal Recessive and X-Linked Classification Criteria (2023). Collection method: clinical testing. Allele origin: unknown.
Comment: This variant is considered likely benign. This variant is intronic and is not expected to impact mRNA splicing.

Labcorp Genetics (formerly Invitae), Labcorp
Classification: Likely benign for Tuberous sclerosis 2. Last evaluated: 2025-04-22. Review status: criteria provided, single submitter. Criteria: Invitae Variant Classification Sherloc (09022015). Collection method: clinical testing. Allele origin: germline.

Blueprint Genetics
Classification: Likely benign. Last evaluated: 2020-12-08. Review status: criteria provided, single submitter. Criteria: ACMG Guidelines, 2015. Collection method: clinical testing. Allele origin: germline.

NM_000548.5(TSC2):c.1444-17C>T

Gene: TSC2 (TSC complex subunit 2; plus strand). Cytogenetic location: 16p13.3.
Variant type: single nucleotide variant.
Coding change: c.1444-17C>T on transcript NM_000548.5 (MANE Select); 17 bases into the intron before coding-DNA position 1444, C replaced by T.
Molecular consequence: intron variant.
Genome position (GRCh38, 1-based): chr16:2,064,255, C>T. VCF-style: chr16-2064255-C-T. GRCh37 (hg19) VCF-style: chr16-2114256-C-T.
Other names: c.100-17C>T (NM_001406693.1, NM_001406689.1, NM_001406690.1 and 6 more transcripts); c.1534-17C>T (NM_001406667.1, NM_001406668.1); c.844-17C>T (NM_001406680.1, NM_001406683.1, NM_001406687.1 and 6 more transcripts); c.-159-17C>T (NM_001406698.1); c.1444-17C>T (NM_001114382.3, NM_001406663.1, NM_001406664.1 and 6 more transcripts); c.1432-17C>T (NM_001406671.1, NM_001406673.1); c.982-17C>T (NM_001406681.1); c.1333-17C>T (NM_001406670.1, NM_001318827.2, NM_001406678.1); and 3 more.
Identifiers: ClinVar variation 4071298 (VCV004071298.3).